The following is an entry in ClinVar:

ClinVar aggregate classification (germline): Benign. Review status: criteria provided, multiple submitters, no conflicts (2 of 4 stars). 6 submissions from 6 submitters: Benign (6). Last evaluated 2026-02-03.

Conditions:
Immunodeficiency, common variable, 10. Also called: IMMUNODEFICIENCY, COMMON VARIABLE, WITH CENTRAL ADRENAL INSUFFICIENCY; DEFICIT IN ANTERIOR PITUITARY FUNCTION AND VARIABLE IMMUNODEFICIENCY. Identifiers: MedGen C3809991, MONDO:0014260, OMIM 615577.

Allele frequency attached by ClinVar (database versions not stated): gnomAD exomes 0.02205 and 0.02638; ExAC 0.04763; gnomAD 0.05056 and 0.05268; 1000 Genomes Project 0.05172; 1000 Genomes Project 30x 0.05278; ESP Exome Variant Server 0.05423; TOPMed 0.05509.
gnomAD v4.1: 39,384 of 1,569,874 alleles (2.5%); highest among the groups gnomAD compares: African/African-American, 13%; 1,132 homozygotes.

Submissions 1 to 31 of 46:

Labcorp Genetics (formerly Invitae), Labcorp
Classification: Benign for Immunodeficiency, common variable, 10. Last evaluated: 2026-02-03. Review status: criteria provided, single submitter. Criteria: Invitae Variant Classification Sherloc (09022015). Collection method: clinical testing. Allele origin: germline.

Women's Health and Genetics/Laboratory Corporation of America, LabCorp
Classification: Benign. Last evaluated: 2026-01-21. Review status: criteria provided, single submitter. Criteria: LabCorp Variant Classification Summary - May 2015. Collection method: clinical testing. Allele origin: germline.

ARUP Laboratories, Molecular Genetics and Genomics, ARUP Laboratories
Classification: Benign for Immunodeficiency, common variable, 10. Last evaluated: 2025-06-30. Review status: criteria provided, single submitter. Criteria: ARUP Molecular Germline Variant Investigation Process 2024. Collection method: clinical testing. Allele origin: germline.

Mayo Clinic Laboratories, Mayo Clinic
Classification: Benign. Last evaluated: 2018-08-17. Review status: criteria provided, single submitter. Criteria: ACMG Guidelines, 2015. Collection method: clinical testing. Allele origin: germline. Observed: 5 variant alleles.

Laboratory for Molecular Medicine, Mass General Brigham Personalized Medicine
Classification: Benign. Last evaluated: 2016-03-28. Review status: criteria provided, single submitter. Criteria: LMM Criteria. Collection method: clinical testing. Allele origin: germline.
Comment: Variant identified in a genome or exome case(s) and assessed due to predicted null impact of the variant or pathogenic assertions in the literature or databases. Disclaimer: This variant has not undergone full assessment. The following are preliminary notes: Frequency

Breakthrough Genomics
Classification: Benign. Review status: criteria provided, single submitter. Criteria: ACMG Guidelines, 2015. Collection method: not provided. Allele origin: germline. Inheritance: Autosomal dominant inheritance. Affected: yes.

Dr. Peter K. Rogan Lab, Western University
No classification provided (evidence only). Condition: Lung cancer. Review status: no classification provided. Collection method: in vitro. Allele origin: not applicable. Functional consequence: retained intron. Not counted in ClinVar's aggregate classification.

Dr. Peter K. Rogan Lab, Western University
No classification provided (evidence only). Condition: Lung cancer. Review status: no classification provided. Collection method: in vitro. Allele origin: not applicable. Functional consequence: retained intron. Not counted in ClinVar's aggregate classification.

Dr. Peter K. Rogan Lab, Western University
No classification provided (evidence only). Condition: Lung cancer. Review status: no classification provided. Collection method: in vitro. Allele origin: not applicable. Functional consequence: retained intron. Not counted in ClinVar's aggregate classification.

Dr. Peter K. Rogan Lab, Western University
No classification provided (evidence only). Condition: Acute myeloid leukemia. Review status: no classification provided. Collection method: in vitro. Allele origin: not applicable. Functional consequence: retained intron. Not counted in ClinVar's aggregate classification.

Dr. Peter K. Rogan Lab, Western University
No classification provided (evidence only). Condition: Acute myeloid leukemia. Review status: no classification provided. Collection method: in vitro. Allele origin: not applicable. Functional consequence: retained intron. Not counted in ClinVar's aggregate classification.

Dr. Peter K. Rogan Lab, Western University
No classification provided (evidence only). Condition: Acute myeloid leukemia. Review status: no classification provided. Collection method: in vitro. Allele origin: not applicable. Functional consequence: retained intron. Not counted in ClinVar's aggregate classification.

Dr. Peter K. Rogan Lab, Western University
No classification provided (evidence only). Condition: Acute myeloid leukemia. Review status: no classification provided. Collection method: in vitro. Allele origin: not applicable. Functional consequence: retained intron. Not counted in ClinVar's aggregate classification.

Dr. Peter K. Rogan Lab, Western University
No classification provided (evidence only). Condition: Acute myeloid leukemia. Review status: no classification provided. Collection method: in vitro. Allele origin: not applicable. Functional consequence: retained intron. Not counted in ClinVar's aggregate classification.

Dr. Peter K. Rogan Lab, Western University
No classification provided (evidence only). Condition: Acute myeloid leukemia. Review status: no classification provided. Collection method: in vitro. Allele origin: not applicable. Functional consequence: retained intron. Not counted in ClinVar's aggregate classification.

Dr. Peter K. Rogan Lab, Western University
No classification provided (evidence only). Condition: Uterine corpus endometrial carcinoma. Review status: no classification provided. Collection method: in vitro. Allele origin: not applicable. Functional consequence: retained intron. Not counted in ClinVar's aggregate classification.

Dr. Peter K. Rogan Lab, Western University
No classification provided (evidence only). Condition: Uterine corpus endometrial carcinoma. Review status: no classification provided. Collection method: in vitro. Allele origin: not applicable. Functional consequence: retained intron. Not counted in ClinVar's aggregate classification.

Dr. Peter K. Rogan Lab, Western University
No classification provided (evidence only). Condition: Uterine corpus endometrial carcinoma. Review status: no classification provided. Collection method: in vitro. Allele origin: not applicable. Functional consequence: retained intron. Not counted in ClinVar's aggregate classification.

Dr. Peter K. Rogan Lab, Western University
No classification provided (evidence only). Condition: Uterine corpus endometrial carcinoma. Review status: no classification provided. Collection method: in vitro. Allele origin: not applicable. Functional consequence: retained intron. Not counted in ClinVar's aggregate classification.

Dr. Peter K. Rogan Lab, Western University
No classification provided (evidence only). Condition: Uterine corpus endometrial carcinoma. Review status: no classification provided. Collection method: in vitro. Allele origin: not applicable. Functional consequence: retained intron. Not counted in ClinVar's aggregate classification.

Dr. Peter K. Rogan Lab, Western University
No classification provided (evidence only). Condition: Uterine corpus endometrial carcinoma. Review status: no classification provided. Collection method: in vitro. Allele origin: not applicable. Functional consequence: retained intron. Not counted in ClinVar's aggregate classification.

Dr. Peter K. Rogan Lab, Western University
No classification provided (evidence only). Condition: Uterine corpus endometrial carcinoma. Review status: no classification provided. Collection method: in vitro. Allele origin: not applicable. Functional consequence: retained intron. Not counted in ClinVar's aggregate classification.

Dr. Peter K. Rogan Lab, Western University
No classification provided (evidence only). Condition: Sarcoma. Review status: no classification provided. Collection method: in vitro. Allele origin: not applicable. Functional consequence: retained intron. Not counted in ClinVar's aggregate classification.

Dr. Peter K. Rogan Lab, Western University
No classification provided (evidence only). Condition: Sarcoma. Review status: no classification provided. Collection method: in vitro. Allele origin: not applicable. Functional consequence: retained intron. Not counted in ClinVar's aggregate classification.

Dr. Peter K. Rogan Lab, Western University
No classification provided (evidence only). Condition: Malignant lymphoma, large B-cell, diffuse. Review status: no classification provided. Collection method: in vitro. Allele origin: not applicable. Functional consequence: retained intron. Not counted in ClinVar's aggregate classification.

Dr. Peter K. Rogan Lab, Western University
No classification provided (evidence only). Condition: Malignant lymphoma, large B-cell, diffuse. Review status: no classification provided. Collection method: in vitro. Allele origin: not applicable. Functional consequence: retained intron. Not counted in ClinVar's aggregate classification.

Dr. Peter K. Rogan Lab, Western University
No classification provided (evidence only). Condition: Thymoma. Review status: no classification provided. Collection method: in vitro. Allele origin: not applicable. Functional consequence: retained intron. Not counted in ClinVar's aggregate classification.

Dr. Peter K. Rogan Lab, Western University
No classification provided (evidence only). Condition: Thymoma. Review status: no classification provided. Collection method: in vitro. Allele origin: not applicable. Functional consequence: retained intron. Not counted in ClinVar's aggregate classification.

Dr. Peter K. Rogan Lab, Western University
No classification provided (evidence only). Condition: Thymoma. Review status: no classification provided. Collection method: in vitro. Allele origin: not applicable. Functional consequence: retained intron. Not counted in ClinVar's aggregate classification.

Dr. Peter K. Rogan Lab, Western University
No classification provided (evidence only). Condition: Cholangiocarcinoma. Review status: no classification provided. Collection method: in vitro. Allele origin: not applicable. Functional consequence: retained intron. Not counted in ClinVar's aggregate classification.

Dr. Peter K. Rogan Lab, Western University
No classification provided (evidence only). Condition: Cholangiocarcinoma. Review status: no classification provided. Collection method: in vitro. Allele origin: not applicable. Functional consequence: retained intron. Not counted in ClinVar's aggregate classification.

NM_001322934.2(NFKB2):c.2467-9T>A

Gene: NFKB2 (nuclear factor kappa B subunit 2; plus strand). Cytogenetic location: 10q24.32.
Variant type: single nucleotide variant.
Coding change: c.2467-9T>A on transcript NM_001322934.2 (MANE Select); 9 bases into the intron before coding-DNA position 2467, T replaced by A.
Molecular consequence: intron variant.
Genome position (GRCh38, 1-based): chr10:102,402,039, T>A. VCF-style: chr10-102402039-T-A. GRCh37 (hg19) VCF-style: chr10-104161796-T-A.
Other names: p.?; c.2467-9T>A (NM_001288724.1, NM_001077494.3, NM_001261403.3 and 1 more transcripts); c.2341-9T>A (NM_001322935.1).
Identifiers: ClinVar variation 403235 (VCV000403235.28), dbSNP rs11574853, ClinGen allele CA5665102.